The following is an entry in ClinVar:

NM_017721.5(CC2D1A):c.1095G>T (p.Gln365His)

Gene: CC2D1A (coiled-coil and C2 domain containing 1A; plus strand). Cytogenetic location: 19p13.12.
Variant type: single nucleotide variant.
Coding change: c.1095G>T on transcript NM_017721.5 (MANE Select); coding-DNA position 1095, G replaced by T.
Protein change: p.Gln365His; replaces glutamine 365 with histidine.
Molecular consequence: missense variant.
Genome position (GRCh38, 1-based): chr19:13,918,988, G>T. VCF-style: chr19-13918988-G-T. GRCh37 (hg19) VCF-style: chr19-14029801-G-T.
Other names: short protein forms Q365H.
Identifiers: ClinVar variation 588585 (VCV000588585.9), dbSNP rs201420492, ClinGen allele CA9244528.

ClinVar aggregate classification (germline): Uncertain significance. Review status: criteria provided, multiple submitters, no conflicts (2 of 4 stars). 3 submissions from 3 submitters: Uncertain significance (3). Last evaluated 2025-09-15.

Conditions:
Inborn genetic diseases. Identifiers: MedGen C0950123, MeSH D030342.
Intellectual developmental disorder, autosomal recessive 3. Also called: Intellectual disability, autosomal recessive 3. Identifiers: Orphanet 88616, MedGen C1838023, MONDO:0012037, OMIM 608443.

Allele frequency attached by ClinVar (database versions not stated): gnomAD exomes 0.00006 and 0.00011; ExAC 0.00015; 1000 Genomes Project 30x 0.00094; TOPMed 0.00057; ESP Exome Variant Server 0.00024; gnomAD 0.00051 and 0.00055; 1000 Genomes Project 0.00100.
gnomAD v4.1: 165 of 1,609,626 alleles (0.01%); highest among the groups gnomAD compares: African/African-American, 0.2%; no homozygotes.

Submissions (3):

Dasa
Classification: Uncertain significance. Last evaluated: 2025-09-15. Review status: criteria provided, single submitter. Criteria: DASA Assertion Criteria. Collection method: clinical testing. Allele origin: germline.
Comment: NM_017721.5(CC2D1A):c.1095G>T (p.Gln365His) is a missense variant that results in the substitution of glutamine with histidine. This variant is rare in population databases. Computational prediction algorithms are consistent with a benign effect. The currently available literature and clinical evidence are not sufficient to establish a definitive association between this variant and the reported condition. Therefore, this variant is classified as a variant of uncertain significance.

Knight Diagnostic Laboratories, Oregon Health and Sciences University
Classification: Uncertain significance for Mental retardation, autosomal recessive 3. Last evaluated: 2019-04-19. Review status: criteria provided, single submitter. Criteria: ACMG Guidelines, 2015. Collection method: clinical testing. Allele origin: germline. Observed: 1 variant allele.

Ambry Genetics
Classification: Uncertain significance for Inborn genetic diseases. Last evaluated: 2016-12-23. Review status: criteria provided, single submitter. Criteria: Ambry Variant Classification Scheme 2023. Collection method: clinical testing. Allele origin: germline.
Comment: The p.Q365H variant (also known as c.1095G>T), located in coding exon 10 of the CC2D1A gene, results from a G to T substitution at nucleotide position 1095. The glutamine at codon 365 is replaced by histidine, an amino acid with highly similar properties. This amino acid position is well conserved in available vertebrate species. In addition, this alteration is predicted to be tolerated by in silico analysis. Since supporting evidence is limited at this time, the clinical significance of this alteration remains unclear.